The following is an entry in ClinVar:

ClinVar aggregate classification (germline): Uncertain significance (1 of 4 stars; one submission).

Submission:

GeneDx
Classification: Uncertain significance. Last evaluated: 2026-03-05. Review status: criteria provided, single submitter. Criteria: GeneDx Variant Classification Process June 2021. Collection method: clinical testing. Allele origin: germline.
Comment: Not observed at significant frequency in large population cohorts (gnomAD); In silico analysis supports that this missense variant has a deleterious effect on protein structure/function; Has not been previously published as pathogenic or benign to our knowledge; In silico analysis suggests this variant may impact gene splicing. In the absence of RNA/functional studies, the actual effect of this sequence change is unknown.

NM_001142966.3(GREB1L):c.4562C>T (p.Thr1521Ile)

Gene: GREB1L (GREB1 like retinoic acid receptor coactivator; plus strand). Cytogenetic location: 18q11.2.
Variant type: single nucleotide variant.
Coding change: c.4562C>T on transcript NM_001142966.3 (MANE Select); coding-DNA position 4562, C replaced by T.
Protein change: p.Thr1521Ile; replaces threonine 1521 with isoleucine.
Molecular consequence: missense variant.
Genome position (GRCh38, 1-based): chr18:21,508,418, C>T. VCF-style: chr18-21508418-C-T. GRCh37 (hg19) VCF-style: chr18-19088379-C-T.
Other names: c.4691C>T, p.Thr1564Ile (NM_001410867.1); c.4235C>T, p.Thr1412Ile (NM_001410868.1); short protein forms T1521I, T1564I, T1412I.
Identifiers: ClinVar variation 5008503 (VCV005008503.1).
Genomic context (GRCh38, chr18:21,508,418, plus strand): 5'-TTATGGTCTGTTTTTTTCCCTTTCAGCAGAATTTGAATGCAGTCAAGAGCCCTATTTTCA[C>T]TCCTTCCAGTGGTCGACATGAGCACGGACTCCTAAACCTTTTCCACGCCATGGAGGGCAT-3'
Protein context (NP_001136438.1, residues 1511-1531): NLNAVKSPIF[Thr1521Ile]PSSGRHEHGL